The following is an entry in ClinVar:

NM_177438.3(DICER1):c.555del (p.Tyr186fs)

Gene: DICER1 (dicer 1, ribonuclease III; minus strand). Cytogenetic location: 14q32.13.
Variant type: Deletion.
Coding change: c.555del on transcript NM_177438.3 (MANE Select); coding-DNA position 555, one base deleted (C; older notation c.555delC).
Protein change: p.Tyr186fs; shifts the reading frame from tyrosine 186.
Molecular consequence: frameshift variant. On other transcripts: 5 prime UTR variant (2), non-coding transcript variant (6).
Genome position (GRCh38, 1-based): chr14:95,130,076, G deleted on the plus strand (C on the coding strand, the reverse complement: DICER1 is on the minus strand); the first of 4 consecutive G bases (chr14:95,130,076-95,130,079); deleting any one gives the same sequence. VCF-style (leftmost placement, unchanged base first): chr14-95130075-AG-A. GRCh37 (hg19) VCF-style: chr14-95596412-AG-A.
Other names: c.555del, p.Tyr186fs (NM_001195573.1, NM_001271282.3, NM_001291628.2 and 14 more transcripts); c.273del, p.Tyr92fs (NM_001395686.1); c.150del, p.Tyr51fs (NM_001395687.1, NM_001395688.1, NM_001395689.1 and 3 more transcripts); c.-13del (NM_001395691.1); c.-1014del (NM_001395697.1); short protein forms Y92fs, Y186fs, Y51fs.
Identifiers: ClinVar variation 4714173 (VCV004714173.1).

ClinVar aggregate classification (germline): Pathogenic (1 of 4 stars; one submission).

Conditions:
DICER1-related tumor predisposition. Also called: DICER1 syndrome; DICER1-related pleuropulmonary blastoma cancer predisposition syndrome. Identifiers: Orphanet 284343, MedGen C3839822, MONDO:0100216.

Submission:

Labcorp Genetics (formerly Invitae), Labcorp
Classification: Pathogenic for DICER1-related tumor predisposition. Last evaluated: 2025-03-02. Review status: criteria provided, single submitter. Criteria: Invitae Variant Classification Sherloc (09022015). Collection method: clinical testing. Allele origin: germline.
Comment: This sequence change creates a premature translational stop signal (p.Tyr186Ilefs*5) in the DICER1 gene. It is expected to result in an absent or disrupted protein product. Loss-of-function variants in DICER1 are known to be pathogenic (PMID: 19556464, 21266384). This variant is not present in population databases (gnomAD no frequency). This variant has not been reported in the literature in individuals affected with DICER1-related conditions. For these reasons, this variant has been classified as Pathogenic.

Literature cited by the submitters: PubMed 19556464; PubMed 21266384.